The following is an entry in ClinVar:

ClinVar aggregate classification (germline): Benign. Review status: criteria provided, multiple submitters, no conflicts (2 of 4 stars). 2 submissions from 2 submitters: Benign (2). Last evaluated 2018-06-14.

Allele frequency attached by ClinVar (database versions not stated): 1000 Genomes Project 0.02256; gnomAD 0.02273 and 0.02437; 1000 Genomes Project 30x 0.02358; TOPMed 0.02419.

Submissions (2):

GeneDx
Classification: Benign. Last evaluated: 2018-06-14. Review status: criteria provided, single submitter. Criteria: GeneDx Variant Classification (06012015). Collection method: clinical testing. Allele origin: germline. Affected: yes.
Comment: This variant is considered likely benign or benign based on one or more of the following criteria: it is a conservative change, it occurs at a poorly conserved position in the protein, it is predicted to be benign by multiple in silico algorithms, and/or has population frequency not consistent with disease.

Breakthrough Genomics
Classification: Benign. Review status: criteria provided, single submitter. Criteria: ACMG Guidelines, 2015. Collection method: not provided. Allele origin: germline. Inheritance: Unknown mechanism. Affected: yes.

NM_000748.3(CHRNB2):c.-55C>T

Genes: CHRNB2 (cholinergic receptor nicotinic beta 2 subunit; plus strand), LOC129931511 (ATAC-STARR-seq lymphoblastoid silent region 1363; plus strand). Cytogenetic location: 1q21.3.
Variant type: single nucleotide variant.
Coding change: c.-55C>T on transcript NM_000748.3 (MANE Select); 55 bases upstream of the start codon, C replaced by T.
Molecular consequence: 5 prime UTR variant.
Genome position (GRCh38, 1-based): chr1:154,567,990, C>T. VCF-style: chr1-154567990-C-T. GRCh37 (hg19) VCF-style: chr1-154540466-C-T.
Identifiers: ClinVar variation 670849 (VCV000670849.2), dbSNP rs55799808, ClinGen allele CA30831748.